The following is an entry in ClinVar:

NM_177438.3(DICER1):c.4560A>T (p.Glu1520Asp)

Gene: DICER1 (dicer 1, ribonuclease III; minus strand). Cytogenetic location: 14q32.13.
Variant type: single nucleotide variant.
Coding change: c.4560A>T on transcript NM_177438.3 (MANE Select); coding-DNA position 4560, A replaced by T.
Protein change: p.Glu1520Asp; replaces glutamic acid 1520 with aspartic acid.
Molecular consequence: missense variant. On other transcripts: non-coding transcript variant (6).
Genome position (GRCh38, 1-based): chr14:95,096,360, T>A on the plus strand (A>T on the coding strand, the complement: DICER1 is on the minus strand). VCF-style: chr14-95096360-T-A. GRCh37 (hg19) VCF-style: chr14-95562697-T-A.
Other names: c.4560A>T, p.Glu1520Asp (NM_001195573.1, NM_001271282.3, NM_001291628.2 and 13 more transcripts); c.4278A>T, p.Glu1426Asp (NM_001395686.1); c.4155A>T, p.Glu1385Asp (NM_001395687.1, NM_001395688.1, NM_001395689.1 and 2 more transcripts); c.3993A>T, p.Glu1331Asp (NM_001395691.1); c.2877A>T, p.Glu959Asp (NM_001395697.1); short protein forms E1520D, E1385D, E959D, E1331D, E1426D.
Identifiers: ClinVar variation 2090577 (VCV002090577.4), dbSNP rs2542496323, ClinGen allele CA390867815.

ClinVar aggregate classification (germline): Uncertain significance (1 of 4 stars; one submission).

Conditions:
DICER1-related tumor predisposition. Also called: DICER1-related pleuropulmonary blastoma cancer predisposition syndrome; DICER1 syndrome. Identifiers: Orphanet 284343, MedGen C3839822, MONDO:0100216.

Submission:

Labcorp Genetics (formerly Invitae), Labcorp
Classification: Uncertain significance for DICER1-related tumor predisposition. Last evaluated: 2025-04-28. Review status: criteria provided, single submitter. Criteria: Invitae Variant Classification Sherloc (09022015). Collection method: clinical testing. Allele origin: germline.
Comment: This sequence change replaces glutamic acid, which is acidic and polar, with aspartic acid, which is acidic and polar, at codon 1520 of the DICER1 protein (p.Glu1520Asp). This variant is not present in population databases (gnomAD no frequency). This variant has not been reported in the literature in individuals affected with DICER1-related conditions. ClinVar contains an entry for this variant (Variation ID: 2090577). Invitae Evidence Modeling of protein sequence and biophysical properties (such as structural, functional, and spatial information, amino acid conservation, physicochemical variation, residue mobility, and thermodynamic stability) indicates that this missense variant is not expected to disrupt DICER1 protein function with a negative predictive value of 95%. In summary, the available evidence is currently insufficient to determine the role of this variant in disease. Therefore, it has been classified as a Variant of Uncertain Significance.